The following is an entry in ClinVar:

NM_000075.4(CDK4):c.841C>T (p.His281Tyr)

Genes: TSPAN31 (tetraspanin 31; plus strand), CDK4 (cyclin dependent kinase 4; minus strand). Cytogenetic location: 12q14.1.
Variant type: single nucleotide variant.
Coding change: c.841C>T on transcript NM_000075.4 (MANE Select); coding-DNA position 841, C replaced by T.
Protein change: p.His281Tyr; replaces histidine 281 with tyrosine.
Molecular consequence: missense variant. On other transcripts: 3 prime UTR variant (3).
Genome position (GRCh38, 1-based): chr12:57,748,596, G>A on the plus strand (C>T on the coding strand, the complement: CDK4 is on the minus strand). VCF-style: chr12-57748596-G-A. GRCh37 (hg19) VCF-style: chr12-58142379-G-A.
Other names: c.*1306G>A (NM_001330168.2, NM_001330169.2, NM_005981.5); short protein forms H281Y.
Identifiers: ClinVar variation 483309 (VCV000483309.18), dbSNP rs876659522, ClinGen allele CA385542532.

ClinVar aggregate classification (germline): Conflicting classifications of pathogenicity. Review status: criteria provided, conflicting classifications (1 of 4 stars). 3 submissions from 3 submitters: Uncertain significance (2); Likely benign (1). Last evaluated 2025-10-07.

Conditions:
Hereditary cancer-predisposing syndrome. Also called: Neoplastic Syndromes, Hereditary; Tumor predisposition; Hereditary Cancer Syndrome; Hereditary neoplastic syndrome. Identifiers: Orphanet 140162, MedGen C0027672, MeSH D009386, MONDO:0015356.
Melanoma, cutaneous malignant, susceptibility to, 3. Also called: Cutaneous malignant melanoma 3. Identifiers: Orphanet 618, MedGen C1836892, MONDO:0012183, OMIM 609048.
Familial melanoma. Also called: Hereditary melanoma; Hereditary cutaneous melanoma. Identifiers: Orphanet 618, MedGen C1512419, MONDO:0018961.

Allele frequency attached by ClinVar (database versions not stated): gnomAD exomes 0.00001.
gnomAD v4.1: 2 of 1,613,794 alleles (0.00012%); highest among the groups gnomAD compares: Non-Finnish European, 0.00017%; no homozygotes.

Submissions (3):

Labcorp Genetics (formerly Invitae), Labcorp
Classification: Uncertain significance for Familial melanoma. Last evaluated: 2025-10-07. Review status: criteria provided, single submitter. Criteria: Invitae Variant Classification Sherloc (09022015). Collection method: clinical testing. Allele origin: germline.
Comment: This sequence change replaces histidine, which is basic and polar, with tyrosine, which is neutral and polar, at codon 281 of the CDK4 protein (p.His281Tyr). This variant is present in population databases (no rsID available, gnomAD 0.002%). This variant has not been reported in the literature in individuals affected with CDK4-related conditions. ClinVar contains an entry for this variant (Variation ID: 483309). Invitae Evidence Modeling of protein sequence and biophysical properties (such as structural, functional, and spatial information, amino acid conservation, physicochemical variation, residue mobility, and thermodynamic stability) indicates that this missense variant is not expected to disrupt CDK4 protein function with a negative predictive value of 95%. In summary, the available evidence is currently insufficient to determine the role of this variant in disease. Therefore, it has been classified as a Variant of Uncertain Significance.

Mendelics
Classification: Likely benign for Melanoma, cutaneous malignant, susceptibility to, 3. Last evaluated: 2024-04-09. Review status: criteria provided, single submitter. Criteria: ACMG Guidelines, 2015. Collection method: clinical testing. Allele origin: unknown.

Ambry Genetics
Classification: Uncertain significance for Hereditary cancer-predisposing syndrome. Last evaluated: 2024-03-17. Review status: criteria provided, single submitter. Criteria: Ambry Variant Classification Scheme 2023. Collection method: clinical testing. Allele origin: germline.
Comment: The p.H281Y variant (also known as c.841C>T), located in coding exon 7 of the CDK4 gene, results from a C to T substitution at nucleotide position 841. The histidine at codon 281 is replaced by tyrosine, an amino acid with similar properties. This amino acid position is highly conserved through mammals but not in all available vertebrate species. In addition, this alteration is predicted to be tolerated by in silico analysis. Since supporting evidence is limited at this time, the clinical significance of this alteration remains unclear.